The following is an entry in ClinVar:

ClinVar aggregate classification (germline): Pathogenic (1 of 4 stars; one submission).

Conditions:
Developmental and epileptic encephalopathy, 27 (DEE27). Also called: Epileptic encephalopathy, early infantile, 27; GRIN2B-Related Neurodevelopmental Disorder. Identifiers: Orphanet 3451, MedGen C4015316, MONDO:0014505, OMIM 616139.
Intellectual developmental disorder, autosomal dominant 6, with or without seizures. Also called: Intellectual disability, autosomal dominant 6; GRIN2B-related developmental delay, intellectual disability and autism spectrum disorder. Identifiers: Orphanet 589547, MedGen C3151411, MONDO:0013509, OMIM 613970.

Submission:

Juno Genomics, Hangzhou Juno Genomics, Inc
Classification: Pathogenic for Developmental and epileptic encephalopathy, 27; Intellectual developmental disorder, autosomal dominant 6, with or without seizures. Review status: criteria provided, single submitter. Criteria: ACMG Guidelines, 2015. Collection method: clinical testing. Allele origin: germline. Affected: yes.
Comment: Absent from controls (or at extremely low frequency if recessive) in Genome Aggregation Database.;Null variant in a gene where loss of function (LOF) is a known mechanism of disease.;Patient's phenotype or family history is highly specific for a disease with a single genetic etiology.

NM_000834.5(GRIN2B):c.2319del (p.Lys773fs)

Gene: GRIN2B (glutamate ionotropic receptor NMDA type subunit 2B; minus strand). Cytogenetic location: 12p13.1.
Variant type: Deletion.
Coding change: c.2319del on transcript NM_000834.5 (MANE Select); coding-DNA position 2319, one base deleted (G; older notation c.2319delG).
Protein change: p.Lys773fs; shifts the reading frame from lysine 773.
Molecular consequence: frameshift variant.
Genome position (GRCh38, 1-based): chr12:13,569,870, C deleted on the plus strand (G on the coding strand, the reverse complement: GRIN2B is on the minus strand). VCF-style (leftmost placement, unchanged base first): chr12-13569869-GC-G. GRCh37 (hg19) VCF-style: chr12-13722803-GC-G.
Other names: c.2319del, p.Lys773fs (NM_001413992.1); short protein forms K773fs.
Identifiers: ClinVar variation 5019727 (VCV005019727.1).